The following is an entry in ClinVar:

ClinVar aggregate classification (germline): Conflicting classifications of pathogenicity. Review status: criteria provided, conflicting classifications (1 of 4 stars). 6 submissions from 6 submitters: Uncertain significance (1); Likely benign (4). 1 of the submissions does not count toward it. Last evaluated 2026-01-15.

Conditions:
Cardiomyopathy (CMYO). Also called: Cardiomyopathies. Identifiers: Orphanet 167848, MedGen C0878544, MONDO:0004994, HP:0001638. Inheritance: Various modes of inheritance.
Arrhythmogenic cardiomyopathy with wooly hair and keratoderma. Also called: Carvajal syndrome; Dilated cardiomyopathy with woolly hair and keratoderma; Arrhythmogenic cardiomyopathy with woolly hair and keratoderma; PALMOPLANTAR KERATODERMA WITH LEFT VENTRICULAR CARDIOMYOPATHY AND WOOLLY HAIR. Identifiers: Orphanet 65282, MedGen C1854063, MONDO:0011581, OMIM 605676.
DSP-related disorder. Also called: DSP-related condition; DSP-related disorders.
Cardiovascular phenotype. Identifiers: MedGen CN230736.
Arrhythmogenic right ventricular dysplasia 8 (ARVD8). Also called: ARRHYTHMOGENIC RIGHT VENTRICULAR CARDIOMYOPATHY 8; Arrhythmogenic Right Ventricular Dysplasia/Cardiomyopathy 8; ARRHYTHMOGENIC RIGHT VENTRICULAR DYSPLASIA, FAMILIAL, 8. Identifiers: MedGen C1843896, MONDO:0011831, OMIM 607450.

Allele frequency attached by ClinVar (database versions not stated): ExAC 0.00003; gnomAD exomes 0.00003 and 0.00005; gnomAD 0.00004; TOPMed 0.00005.
gnomAD v4.1: 76 of 1,613,184 alleles (0.0047%); highest among the groups gnomAD compares: South Asian, 0.013%; no homozygotes.

Submissions (6):

Labcorp Genetics (formerly Invitae), Labcorp
Classification: Likely benign for Arrhythmogenic cardiomyopathy with wooly hair and keratoderma; Arrhythmogenic right ventricular dysplasia 8. Last evaluated: 2026-01-15. Review status: criteria provided, single submitter. Criteria: Invitae Variant Classification Sherloc (09022015). Collection method: clinical testing. Allele origin: germline.

Ambry Genetics
Classification: Uncertain significance for Cardiovascular phenotype. Last evaluated: 2025-06-16. Review status: criteria provided, single submitter. Criteria: Ambry Variant Classification Scheme 2023. Collection method: clinical testing. Allele origin: germline.
Comment: The c.2631-5C>T intronic variant results from a C to T substitution 5 nucleotides upstream from coding exon 19 in the DSP gene. This nucleotide position is not well conserved in available vertebrate species. In silico splice site analysis predicts that this alteration will not have any significant effect on splicing. Based on the available evidence, the clinical significance of this variant remains unclear.

All of Us Research Program, National Institutes of Health
Classification: Likely benign for Arrhythmogenic cardiomyopathy with wooly hair and keratoderma. Last evaluated: 2024-05-14. Review status: criteria provided, single submitter. Criteria: ACMG Guidelines, 2015. Collection method: clinical testing. Allele origin: germline. Inheritance: Autosomal dominant inheritance. Observed: 7 variant alleles, 7 heterozygotes.
Comment: This study involves interpretation of variants in research participants for the purpose of population health screening. Participant phenotype was not available at the time of variant classification. Additional details can be found in publication PMID: 35346344, PMCID: PMC8962531

Color Diagnostics, LLC DBA Color Health
Classification: Likely benign for Cardiomyopathy. Last evaluated: 2019-02-16. Review status: criteria provided, single submitter. Criteria: ACMG Guidelines, 2015. Collection method: clinical testing. Allele origin: germline.

GeneDx
Classification: Likely benign. Last evaluated: 2018-08-31. Review status: criteria provided, single submitter. Criteria: GeneDx Variant Classification Process June 2021. Collection method: clinical testing. Allele origin: germline. Affected: yes.

PreventionGenetics, part of Exact Sciences
Classification: Likely benign for DSP-related condition. Last evaluated: 2022-04-07. Review status: no assertion criteria provided. Collection method: clinical testing. Allele origin: germline. Not counted in ClinVar's aggregate classification.
Comment: This variant is classified as likely benign based on ACMG/AMP sequence variant interpretation guidelines (Richards et al. 2015 PMID: 25741868, with internal and published modifications).

NM_004415.4(DSP):c.2631-5C>T

Gene: DSP (desmoplakin; plus strand). Cytogenetic location: 6p24.3.
Variant type: single nucleotide variant.
Coding change: c.2631-5C>T on transcript NM_004415.4 (MANE Select); 5 bases into the intron before coding-DNA position 2631, C replaced by T.
Molecular consequence: intron variant.
Genome position (GRCh38, 1-based): chr6:7,576,289, C>T. VCF-style: chr6-7576289-C-T. GRCh37 (hg19) VCF-style: chr6-7576522-C-T.
Other names: c.2631-5C>T (LRG_423t1, NM_004415.3, NM_001319034.2 and 1 more transcripts).
Identifiers: ClinVar variation 388489 (VCV000388489.24), dbSNP rs773772683, ClinGen allele CA034444.